The following is an entry in ClinVar:

NM_001042492.3(NF1):c.1487T>A (p.Met496Lys)

Gene: NF1 (neurofibromin 1; plus strand). Cytogenetic location: 17q11.2.
Variant type: single nucleotide variant.
Coding change: c.1487T>A on transcript NM_001042492.3 (MANE Select); coding-DNA position 1487, T replaced by A.
Protein change: p.Met496Lys; replaces methionine 496 with lysine.
Molecular consequence: missense variant.
Genome position (GRCh38, 1-based): chr17:31,214,545, T>A. VCF-style: chr17-31214545-T-A. GRCh37 (hg19) VCF-style: chr17-29541563-T-A.
Other names: c.1487T>A, p.Met496Lys (NM_000267.4, NM_001128147.3); short protein forms M496K.
Identifiers: ClinVar variation 1773697 (VCV001773697.2), dbSNP rs2544829671, ClinGen allele CA399001618.

ClinVar aggregate classification (germline): Uncertain significance (1 of 4 stars; one submission).

Conditions:
Cardiovascular phenotype. Identifiers: MedGen CN230736.
Hereditary cancer-predisposing syndrome. Also called: Hereditary Cancer Syndrome; Hereditary neoplastic syndrome; Neoplastic Syndromes, Hereditary; Tumor predisposition. Identifiers: Orphanet 140162, MedGen C0027672, MeSH D009386, MONDO:0015356.

Submission:

Ambry Genetics
Classification: Uncertain significance for Cardiovascular phenotype; Hereditary cancer-predisposing syndrome. Last evaluated: 2022-08-03. Review status: criteria provided, single submitter. Criteria: Ambry Variant Classification Scheme 2023. Collection method: clinical testing. Allele origin: germline.
Comment: The p.M496K variant (also known as c.1487T>A), located in coding exon 13 of the NF1 gene, results from a T to A substitution at nucleotide position 1487. The methionine at codon 496 is replaced by lysine, an amino acid with similar properties. This amino acid position is conserved. In addition, the in silico prediction for this alteration is inconclusive. Since supporting evidence is limited at this time, the clinical significance of this alteration remains unclear.